The following is an entry in ClinVar:

NM_001401501.2(MUC16):c.9243C>T (p.Ser3081=)

Gene: MUC16 (mucin 16, cell surface associated; minus strand). Cytogenetic location: 19p13.2.
Variant type: single nucleotide variant.
Coding change: c.9243C>T on transcript NM_001401501.2 (MANE Select); coding-DNA position 9243, C replaced by T.
Protein change: p.Ser3081=; no amino-acid change (serine 3081 retained).
Molecular consequence: synonymous variant.
Genome position (GRCh38, 1-based): chr19:8,972,016, G>A on the plus strand (C>T on the coding strand, the complement: MUC16 is on the minus strand). VCF-style: chr19-8972016-G-A. GRCh37 (hg19) VCF-style: chr19-9082692-G-A.
Other names: c.9669C>T, p.Ser3223= (NM_001414686.1); c.9123C>T, p.Ser3041= (NM_001414687.1, NM_024690.2).
Identifiers: ClinVar variation 3033533 (VCV003033533.2), dbSNP rs112865107, ClinGen allele CA9171824.

ClinVar aggregate classification (germline): Benign (0 of 4 stars; one submission).

Conditions:
MUC16-related disorder. Also called: MUC16-related condition.

Allele frequency attached by ClinVar (database versions not stated): 1000 Genomes Project 0.00419; ESP Exome Variant Server 0.00421; TOPMed 0.00449; 1000 Genomes Project 30x 0.00453.

Submission:

PreventionGenetics, part of Exact Sciences
Classification: Benign for MUC16-related condition. Last evaluated: 2019-10-28. Review status: no assertion criteria provided. Collection method: clinical testing. Allele origin: germline.
Comment: This variant is classified as benign based on ACMG/AMP sequence variant interpretation guidelines (Richards et al. 2015 PMID: 25741868, with internal and published modifications).